The following is an entry in ClinVar:

ClinVar aggregate classification (germline): Conflicting classifications of pathogenicity. Review status: criteria provided, conflicting classifications (1 of 4 stars). 3 submissions from 3 submitters: Uncertain significance (2); Likely benign (1). Last evaluated 2025-04-11.

Conditions:
Inborn genetic diseases. Identifiers: MedGen C0950123, MeSH D030342.
Finnish type amyloidosis. Also called: AMYLOIDOSIS, HEREDITARY SYSTEMIC 4, FINNISH TYPE; Amyloidosis, familial, Finnish type; Meretoja type amyloidosis; Amyloidosis 5; AMYLOID CRANIAL NEUROPATHY WITH LATTICE CORNEAL DYSTROPHY; AMYLOIDOSIS DUE TO MUTANT GELSOLIN. Identifiers: Orphanet 85448, MedGen C1622345, MONDO:0007097, OMIM 105120.

Allele frequency attached by ClinVar (database versions not stated): gnomAD 0.00001; TOPMed 0.00001; gnomAD exomes 0.00002 and 0.00004; ExAC 0.00004.
gnomAD v4.1: 15 of 1,563,342 alleles (0.00096%); highest among the groups gnomAD compares: Admixed American, 0.017%; no homozygotes.

Submissions (3):

Labcorp Genetics (formerly Invitae), Labcorp
Classification: Uncertain significance. Last evaluated: 2025-04-11. Review status: criteria provided, single submitter. Criteria: Invitae Variant Classification Sherloc (09022015). Collection method: clinical testing. Allele origin: germline.
Comment: This sequence change replaces aspartic acid, which is acidic and polar, with tyrosine, which is neutral and polar, at codon 639 of the GSN protein (p.Asp639Tyr). This variant is present in population databases (rs757684181, gnomAD 0.02%). This variant has not been reported in the literature in individuals affected with GSN-related conditions. ClinVar contains an entry for this variant (Variation ID: 1484851). An algorithm developed to predict the effect of missense changes on protein structure and function (PolyPhen-2) suggests that this variant is likely to be disruptive. Algorithms developed to predict the effect of sequence changes on RNA splicing suggest that this variant may disrupt the consensus splice site. In summary, the available evidence is currently insufficient to determine the role of this variant in disease. Therefore, it has been classified as a Variant of Uncertain Significance.

Fulgent Genetics
Classification: Uncertain significance for Finnish type amyloidosis. Last evaluated: 2022-04-06. Review status: criteria provided, single submitter. Criteria: ACMG Guidelines, 2015. Collection method: clinical testing. Allele origin: unknown.

Ambry Genetics
Classification: Likely benign for Inborn genetic diseases. Last evaluated: 2020-12-08. Review status: criteria provided, single submitter. Criteria: Ambry Variant Classification Scheme 2023. Collection method: clinical testing. Allele origin: germline.

NM_198252.3(GSN):c.1762G>T (p.Asp588Tyr)

Gene: GSN (gelsolin; plus strand). Cytogenetic location: 9q33.2.
Variant type: single nucleotide variant.
Coding change: c.1762G>T on transcript NM_198252.3 (MANE Select); coding-DNA position 1762, G replaced by T.
Protein change: p.Asp588Tyr; replaces aspartic acid 588 with tyrosine.
Molecular consequence: missense variant.
Genome position (GRCh38, 1-based): chr9:121,327,482, G>T. VCF-style: chr9-121327482-G-T. GRCh37 (hg19) VCF-style: chr9-124089760-G-T.
Other names: c.1915G>T, p.Asp639Tyr (NM_000177.5); c.1762G>T, p.Asp588Tyr (NM_001127662.2, NM_001127664.2, NM_001127665.2 and 10 more transcripts); c.1870G>T, p.Asp624Tyr (NM_001127663.2); c.1795G>T, p.Asp599Tyr (NM_001127666.2, NM_001127667.2, NM_001353063.2 and 13 more transcripts); c.1813G>T, p.Asp605Tyr (NM_001258029.2); c.1786G>T, p.Asp596Tyr (NM_001258030.2); c.1834G>T, p.Asp612Tyr (NM_001353076.2); c.1108G>T, p.Asp370Tyr (NM_001353078.2); short protein forms D596Y, D605Y, D612Y, D370Y, D588Y, D624Y, D639Y, D599Y.
Identifiers: ClinVar variation 1484851 (VCV001484851.11), dbSNP rs757684181, ClinGen allele CA5221393.